The following is an entry in ClinVar:

NM_017654.4(SAMD9):c.3016C>T (p.Gln1006Ter)

Gene: SAMD9 (sterile alpha motif domain containing 9; minus strand). Cytogenetic location: 7q21.2.
Variant type: single nucleotide variant.
Coding change: c.3016C>T on transcript NM_017654.4 (MANE Select); coding-DNA position 3016, C replaced by T.
Protein change: p.Gln1006Ter; replaces glutamine 1006 with a stop codon.
Molecular consequence: nonsense.
Genome position (GRCh38, 1-based): chr7:93,103,082, G>A on the plus strand (C>T on the coding strand, the complement: SAMD9 is on the minus strand). VCF-style: chr7-93103082-G-A. GRCh37 (hg19) VCF-style: chr7-92732395-G-A.
Other names: c.3016C>T, p.Gln1006Ter (NM_001193307.2); short protein forms Q1006*.
Identifiers: ClinVar variation 2849910 (VCV002849910.3), dbSNP rs2535356704, ClinGen allele CA368189025.

ClinVar aggregate classification (germline): Uncertain significance (1 of 4 stars; one submission).

Submission:

Labcorp Genetics (formerly Invitae), Labcorp
Classification: Uncertain significance. Last evaluated: 2023-03-26. Review status: criteria provided, single submitter. Criteria: Invitae Variant Classification Sherloc (09022015). Collection method: clinical testing. Allele origin: germline.
Comment: In summary, the available evidence is currently insufficient to determine the role of this variant in disease. Therefore, it has been classified as a Variant of Uncertain Significance. Experimental studies and prediction algorithms are not available or were not evaluated, and the functional significance of this variant is currently unknown. This variant has not been reported in the literature in individuals affected with SAMD9-related conditions. This variant is not present in population databases (gnomAD no frequency). This sequence change creates a premature translational stop signal (p.Gln1006*) in the SAMD9 gene. While this is not anticipated to result in nonsense mediated decay, it is expected to disrupt the last 584 amino acid(s) of the SAMD9 protein.